The following is an entry in ClinVar:

ClinVar aggregate classification (germline): Uncertain significance. Review status: criteria provided, multiple submitters, no conflicts (2 of 4 stars). 2 submissions from 2 submitters: Uncertain significance (2). Last evaluated 2023-11-27.

Conditions:
COG7 congenital disorder of glycosylation (CDG2E). Also called: CONGENITAL DISORDER OF GLYCOSYLATION, TYPE IIe; CDG IIe. Identifiers: Orphanet 79333, MedGen C2931010, MONDO:0012118, OMIM 608779.

Allele frequency attached by ClinVar (database versions not stated): gnomAD exomes below 0.00001 and 0.00001; ExAC 0.00001; gnomAD 0.00001; TOPMed 0.00001.
gnomAD v4.1: 9 of 1,613,932 alleles (0.00056%); highest among the groups gnomAD compares: Non-Finnish European, 0.00076%; no homozygotes.

Submissions (2):

Labcorp Genetics (formerly Invitae), Labcorp
Classification: Uncertain significance for COG7 congenital disorder of glycosylation. Last evaluated: 2023-11-27. Review status: criteria provided, single submitter. Criteria: Invitae Variant Classification Sherloc (09022015). Collection method: clinical testing. Allele origin: germline.
Comment: This sequence change replaces glutamine, which is neutral and polar, with lysine, which is basic and polar, at codon 241 of the COG7 protein (p.Gln241Lys). This variant is present in population databases (rs758862580, gnomAD 0.002%). This variant has not been reported in the literature in individuals affected with COG7-related conditions. ClinVar contains an entry for this variant (Variation ID: 318485). Advanced modeling of protein sequence and biophysical properties (such as structural, functional, and spatial information, amino acid conservation, physicochemical variation, residue mobility, and thermodynamic stability) performed at Invitae indicates that this missense variant is not expected to disrupt COG7 protein function with a negative predictive value of 80%. In summary, the available evidence is currently insufficient to determine the role of this variant in disease. Therefore, it has been classified as a Variant of Uncertain Significance.

Illumina Laboratory Services, Illumina
Classification: Uncertain significance for COG7 congenital disorder of glycosylation. Last evaluated: 2018-01-12. Review status: criteria provided, single submitter. Criteria: ICSL Variant Classification Criteria 13 December 2019. Collection method: clinical testing. Allele origin: germline.

NM_153603.4(COG7):c.721C>A (p.Gln241Lys)

Gene: COG7 (component of oligomeric golgi complex 7; minus strand). Cytogenetic location: 16p12.2.
Variant type: single nucleotide variant.
Coding change: c.721C>A on transcript NM_153603.4 (MANE Select); coding-DNA position 721, C replaced by A.
Protein change: p.Gln241Lys; replaces glutamine 241 with lysine.
Molecular consequence: missense variant.
Genome position (GRCh38, 1-based): chr16:23,433,634, G>T on the plus strand (C>A on the coding strand, the complement: COG7 is on the minus strand). VCF-style: chr16-23433634-G-T. GRCh37 (hg19) VCF-style: chr16-23444955-G-T.
Other names: short protein forms Q241K.
Identifiers: ClinVar variation 318485 (VCV000318485.10), dbSNP rs758862580, ClinGen allele CA7961204.